The following is an entry in ClinVar:

ClinVar aggregate classification (germline): Uncertain significance (1 of 4 stars; one submission).

gnomAD v4.1: 1 of 1,612,104 alleles (0.000062%); no homozygotes.

Submission:

GeneDx
Classification: Uncertain significance. Last evaluated: 2019-12-13. Review status: criteria provided, single submitter. Criteria: GeneDx Variant Classification Process June 2021. Collection method: clinical testing. Allele origin: germline. Affected: yes.
Comment: Not observed at a significant frequency in large population cohorts (Lek et al., 2016); In silico analysis, which includes protein predictors and evolutionary conservation, supports a deleterious effect; Has not been previously published as pathogenic or benign to our knowledge

NM_000334.4(SCN4A):c.2915C>A (p.Pro972His)

Genes: GH-LCR (growth hormone locus control region; plus strand), SCN4A (sodium voltage-gated channel alpha subunit 4; minus strand). Cytogenetic location: 17q23.3.
Variant type: single nucleotide variant.
Coding change: c.2915C>A on transcript NM_000334.4 (MANE Select); coding-DNA position 2915, C replaced by A.
Protein change: p.Pro972His; replaces proline 972 with histidine.
Molecular consequence: missense variant.
Genome position (GRCh38, 1-based): chr17:63,949,467, G>T on the plus strand (C>A on the coding strand, the complement: SCN4A is on the minus strand). VCF-style: chr17-63949467-G-T. GRCh37 (hg19) VCF-style: chr17-62026827-G-T.
Other names: short protein forms P972H.
Identifiers: ClinVar variation 1311037 (VCV001311037.2), dbSNP rs1908837504, ClinGen allele CA400622399.